The following is an entry in ClinVar:

NM_001164508.2(NEB):c.21214_21217delinsAAT (p.Tyr7072fs)

Gene: NEB (nebulin; minus strand). Cytogenetic location: 2q23.3.
Variant type: Indel.
Coding change: c.21214_21217delinsAAT on transcript NM_001164508.2 (MANE Select); coding-DNA positions 21214 to 21217, TATA replaced by AAT.
Protein change: p.Tyr7072fs; shifts the reading frame from tyrosine 7072.
Molecular consequence: frameshift variant.
Genome position (GRCh38, 1-based): chr2:151,535,786-151,535,789, TATA replaced by ATT on the plus strand (TATA replaced by AAT on the coding strand, the reverse complement: NEB is on the minus strand). VCF-style: chr2-151535786-TATA-ATT. GRCh37 (hg19) VCF-style: chr2-152392300-TATA-ATT.
Other names: c.21214_21217delinsAAT, p.Tyr7072fs (NM_001164507.2, NM_001271208.2); c.21214_21217delTATAinsAAT, p.Tyr7072Asnfs (NM_001271208.1); c.16111_16114delinsAAT, p.Tyr5371fs (NM_004543.5); short protein forms Y5371fs, Y7072fs.
Identifiers: ClinVar variation 2630584 (VCV002630584.1), dbSNP rs2552147220, ClinGen allele CA2695197029.
Genomic context (GRCh38, chr2:151,535,786, plus strand): 5'-TATTGATCGGAGAGTCGGCAACATACTTGAAATCTGACTTTGTCCTTTCAAATACTTCTT[TATA>ATT]CTTATACTAGAAAAAACAGAACATGGTTACTTGACAGCAGGCTATGATTATCTTAAGAAT-3'

ClinVar aggregate classification (germline): Likely pathogenic (1 of 4 stars; one submission).

Conditions:
NEB-related disorder. Also called: NEB-related condition; NEB-Related Disorders.

Submission:

PreventionGenetics, part of Exact Sciences
Classification: Likely pathogenic for NEB-related condition. Last evaluated: 2023-01-24. Review status: criteria provided, single submitter. Criteria: ACMG Guidelines, 2015. Collection method: clinical testing. Allele origin: germline.
Comment: The NEB c.21214_21217delinsAAT variant is predicted to result in a frameshift and premature protein termination (p.Tyr7072Asnfs*30). To our knowledge, this variant has not been reported in the literature or in a large population database, indicating this variant is rare. Frameshift variants in NEB are expected to be pathogenic. This variant is interpreted as likely pathogenic.